The following is an entry in ClinVar:

ClinVar aggregate classification (germline): Uncertain significance (1 of 4 stars; one submission).

Conditions:
Cardiovascular phenotype. Identifiers: MedGen CN230736.

gnomAD v4.1: 2 of 1,614,054 alleles (0.00012%); highest among the groups gnomAD compares: Admixed American, 0.0033%; no homozygotes.

Submission:

Ambry Genetics
Classification: Uncertain significance for Cardiovascular phenotype. Last evaluated: 2026-08-24. Review status: criteria provided, single submitter. Criteria: Ambry Variant Classification Scheme 2023. Collection method: clinical testing. Allele origin: germline.
Comment: The p.F812I variant (also known as c.2434T>A), located in coding exon 20 of the JAG1 gene, results from a T to A substitution at nucleotide position 2434. The phenylalanine at codon 812 is replaced by isoleucine, an amino acid with highly similar properties. This amino acid position is conserved. In addition, this alteration is predicted to be deleterious by in silico analysis. Based on the available evidence, the clinical significance of this variant remains unclear.

NM_000214.3(JAG1):c.2434T>A (p.Phe812Ile)

Gene: JAG1 (jagged canonical Notch ligand 1; minus strand). Cytogenetic location: 20p12.2.
Variant type: single nucleotide variant.
Coding change: c.2434T>A on transcript NM_000214.3 (MANE Select); coding-DNA position 2434, T replaced by A.
Protein change: p.Phe812Ile; replaces phenylalanine 812 with isoleucine.
Molecular consequence: missense variant.
Genome position (GRCh38, 1-based): chr20:10,643,802, A>T on the plus strand (T>A on the coding strand, the complement: JAG1 is on the minus strand). VCF-style: chr20-10643802-A-T. GRCh37 (hg19) VCF-style: chr20-10624450-A-T.
Other names: short protein forms F812I.
Identifiers: ClinVar variation 5022884 (VCV005022884.1).